The following is an entry in ClinVar:

NM_006514.4(SCN10A):c.1276C>T (p.Arg426Trp)

Gene: SCN10A (sodium voltage-gated channel alpha subunit 10; minus strand). Cytogenetic location: 3p22.2.
Variant type: single nucleotide variant.
Coding change: c.1276C>T on transcript NM_006514.4 (MANE Select); coding-DNA position 1276, C replaced by T.
Protein change: p.Arg426Trp; replaces arginine 426 with tryptophan.
Molecular consequence: missense variant.
Genome position (GRCh38, 1-based): chr3:38,756,688, G>A on the plus strand (C>T on the coding strand, the complement: SCN10A is on the minus strand). VCF-style: chr3-38756688-G-A. GRCh37 (hg19) VCF-style: chr3-38798179-G-A.
Other names: c.1276C>T, p.Arg426Trp (NM_001293306.2, NM_001293307.2); short protein forms R426W.
Identifiers: ClinVar variation 572815 (VCV000572815.10), dbSNP rs532774213, ClinGen allele CA2320925.
Genomic context (GRCh38, chr3:38,756,688, plus strand): 5'-TGGACAGTCTGCAACCTTCTTCACAAAGCTTCCACTCCTCACAAACCTCCTGCTCCTTCC[G>A]GAGCATCTCGAGGGCCTCCTGGAACTTCTTCTCCTTTGCTTCAATTTCATCAGTGGTTGC-3'
Protein context (NP_006505.4, residues 416-436): KKFQEALEML[Arg426Trp]KEQEVLAALG

ClinVar aggregate classification (germline): Conflicting classifications of pathogenicity. Review status: criteria provided, conflicting classifications (1 of 4 stars). 3 submissions from 3 submitters: Uncertain significance (2); Likely benign (1). Last evaluated 2025-12-21.

Conditions:
Episodic pain syndrome, familial, 2 (FEPS2). Identifiers: Orphanet 306577, MedGen C3809893, MONDO:0014246, OMIM 615551.
Brugada syndrome. Also called: Sudden unexplained nocturnal death syndrome; Sudden Unexplained Death Syndrome; Sudden Unexplained Nocturnal Death Syndrome (SUNDS); Sudden unexpected nocturnal death syndrome. Identifiers: Orphanet 130, MedGen C1142166, MONDO:0015263.
Cardiovascular phenotype. Identifiers: MedGen CN230736.

Allele frequency attached by ClinVar (database versions not stated): gnomAD 0.00002 and 0.00003; gnomAD exomes 0.00002 and 0.00006; TOPMed 0.00003; ExAC 0.00004; 1000 Genomes Project 30x 0.00016; 1000 Genomes Project 0.00020.

Submissions (3):

Labcorp Genetics (formerly Invitae), Labcorp
Classification: Uncertain significance for Brugada syndrome. Last evaluated: 2025-12-21. Review status: criteria provided, single submitter. Criteria: Invitae Variant Classification Sherloc (09022015). Collection method: clinical testing. Allele origin: germline.
Comment: This sequence change replaces arginine, which is basic and polar, with tryptophan, which is neutral and slightly polar, at codon 426 of the SCN10A protein (p.Arg426Trp). This variant is present in population databases (rs532774213, gnomAD 0.03%). This variant has not been reported in the literature in individuals affected with SCN10A-related conditions. ClinVar contains an entry for this variant (Variation ID: 572815). Invitae Evidence Modeling of protein sequence and biophysical properties (such as structural, functional, and spatial information, amino acid conservation, physicochemical variation, residue mobility, and thermodynamic stability) indicates that this missense variant is expected to disrupt SCN10A protein function with a positive predictive value of 80%. In summary, the available evidence is currently insufficient to determine the role of this variant in disease. Therefore, it has been classified as a Variant of Uncertain Significance.

Ambry Genetics
Classification: Likely benign for Cardiovascular phenotype. Last evaluated: 2021-07-22. Review status: criteria provided, single submitter. Criteria: Ambry Variant Classification Scheme 2023. Collection method: clinical testing. Allele origin: germline.

Fulgent Genetics
Classification: Uncertain significance for Episodic pain syndrome, familial, 2. Last evaluated: 2018-10-31. Review status: criteria provided, single submitter. Criteria: ACMG Guidelines, 2015. Collection method: clinical testing. Allele origin: unknown.